The following is an entry in ClinVar:

ClinVar aggregate classification (germline): Uncertain significance (1 of 4 stars; one submission).

Submission:

Labcorp Genetics (formerly Invitae), Labcorp
Classification: Uncertain significance. Last evaluated: 2024-07-03. Review status: criteria provided, single submitter. Criteria: Invitae Variant Classification Sherloc (09022015). Collection method: clinical testing. Allele origin: germline.
Comment: This sequence change replaces tyrosine, which is neutral and polar, with histidine, which is basic and polar, at codon 1298 of the FN1 protein (p.Tyr1298His). This variant is present in population databases (no rsID available, gnomAD 0.0009%). This variant has not been reported in the literature in individuals affected with FN1-related conditions. An algorithm developed to predict the effect of missense changes on protein structure and function (PolyPhen-2) suggests that this variant is likely to be disruptive. In summary, the available evidence is currently insufficient to determine the role of this variant in disease. Therefore, it has been classified as a Variant of Uncertain Significance.

NM_212482.4(FN1):c.3892T>C (p.Tyr1298His)

Gene: FN1 (fibronectin 1; minus strand). Cytogenetic location: 2q35.
Variant type: single nucleotide variant.
Coding change: c.3892T>C on transcript NM_212482.4 (MANE Select); coding-DNA position 3892, T replaced by C.
Protein change: p.Tyr1298His; replaces tyrosine 1298 with histidine.
Molecular consequence: missense variant. On other transcripts: intron variant (10).
Genome position (GRCh38, 1-based): chr2:215,393,108, A>G on the plus strand (T>C on the coding strand, the complement: FN1 is on the minus strand). VCF-style: chr2-215393108-A-G. GRCh37 (hg19) VCF-style: chr2-216257831-A-G.
Other names: c.3797-1294T>C (NM_001365520.2, NM_002026.4, NM_001365518.2 and 7 more transcripts); c.3892T>C, p.Tyr1298His (NM_001306129.2, NM_001306130.2, NM_001365517.2 and 3 more transcripts); short protein forms Y1298H.
Identifiers: ClinVar variation 3667707 (VCV003667707.2).